The following is an entry in ClinVar:

NM_000294.3(PHKG2):c.250del (p.Val84fs)

Gene: PHKG2 (phosphorylase kinase catalytic subunit gamma 2; plus strand). Cytogenetic location: 16p11.2.
Variant type: Deletion.
Coding change: c.250del on transcript NM_000294.3 (MANE Select); coding-DNA position 250, one base deleted (G; older notation c.250delG).
Protein change: p.Val84fs; shifts the reading frame from valine 84.
Molecular consequence: frameshift variant.
Genome position (GRCh38, 1-based): chr16:30,751,260, G deleted; the last of 2 consecutive G bases (chr16:30,751,259-30,751,260); deleting either gives the same sequence. VCF-style (leftmost placement, unchanged base first): chr16-30751258-AG-A. GRCh37 (hg19) VCF-style: chr16-30762579-AG-A.
Other names: c.250del, p.Val84fs (NM_001172432.2); short protein forms V84fs.
Identifiers: ClinVar variation 566399 (VCV000566399.6), dbSNP rs1567260747, ClinGen allele CA891844125.
Genomic context (GRCh38, chr16:30,751,258, plus strand): 5'-GTCCTGAGCAGCTGGAGGAGGTGCGGGAAGCCACACGGCGAGAGACACACATCCTTCGCC[AG>A]GTCGCCGGCCACCCCCACATCAGTGAGGCTGTCTTCCTTGCTCCTGTTAGCAGACGACCC-3'

ClinVar aggregate classification (germline): Pathogenic (1 of 4 stars; one submission).

Conditions:
Glycogen storage disease IXc (GSD9C). Also called: GSD IXc. Identifiers: Orphanet 264580, MedGen C2751643, MONDO:0013091, OMIM 613027.

Submission:

Labcorp Genetics (formerly Invitae), Labcorp
Classification: Pathogenic for Glycogen storage disease IXc. Last evaluated: 2018-04-25. Review status: criteria provided, single submitter. Criteria: Invitae Variant Classification Sherloc (09022015). Collection method: clinical testing. Allele origin: germline.
Comment: This variant is not present in population databases (ExAC no frequency). This sequence change creates a premature translational stop signal (p.Val84Serfs*26) in the PHKG2 gene. It is expected to result in an absent or disrupted protein product. This variant has not been reported in the literature in individuals with PHKG2-related disease. For these reasons, this variant has been classified as Pathogenic. Loss-of-function variants in PHKG2 are known to be pathogenic (PMID: 8896567, 17689125, 21646031).

Literature cited by the submitters: PubMed 8896567; PubMed 17689125; PubMed 21646031.